The following is an entry in ClinVar:

ClinVar aggregate classification (germline): Uncertain significance. Review status: criteria provided, multiple submitters, no conflicts (2 of 4 stars). 2 submissions from 2 submitters: Uncertain significance (2). Last evaluated 2025-09-03.

Allele frequency attached by ClinVar (database versions not stated): 1000 Genomes Project 30x 0.00016; 1000 Genomes Project 0.00020; gnomAD 0.00033; TOPMed 0.00041; gnomAD exomes 0.00045; ESP Exome Variant Server 0.00046; ExAC 0.00047.
gnomAD v4.1: 688 of 1,604,264 alleles (0.043%); highest among the groups gnomAD compares: Non-Finnish European, 0.054%; 2 homozygotes.

Submissions (2):

Labcorp Genetics (formerly Invitae), Labcorp
Classification: Uncertain significance. Last evaluated: 2025-09-03. Review status: criteria provided, single submitter. Criteria: Invitae Variant Classification Sherloc (09022015). Collection method: clinical testing. Allele origin: germline.
Comment: This sequence change replaces alanine, which is neutral and non-polar, with threonine, which is neutral and polar, at codon 104 of the PALM protein (p.Ala104Thr). This variant is present in population databases (rs144513487, gnomAD 0.05%), and has an allele count higher than expected for a pathogenic variant. This variant has not been reported in the literature in individuals affected with PALM-related conditions. ClinVar contains an entry for this variant (Variation ID: 1392510). An algorithm developed to predict the effect of missense changes on protein structure and function (PolyPhen-2) suggests that this variant is likely to be tolerated. In summary, the available evidence is currently insufficient to determine the role of this variant in disease. Therefore, it has been classified as a Variant of Uncertain Significance.

Ambry Genetics
Classification: Uncertain significance. Last evaluated: 2021-08-11. Review status: criteria provided, single submitter. Criteria: Ambry Variant Classification Scheme 2023. Collection method: clinical testing. Allele origin: germline.

NM_002579.3(PALM):c.310G>A (p.Ala104Thr)

Gene: PALM (paralemmin; plus strand). Cytogenetic location: 19p13.3.
Variant type: single nucleotide variant.
Coding change: c.310G>A on transcript NM_002579.3 (MANE Select); coding-DNA position 310, G replaced by A.
Protein change: p.Ala104Thr; replaces alanine 104 with threonine.
Molecular consequence: missense variant.
Genome position (GRCh38, 1-based): chr19:731,135, G>A. VCF-style: chr19-731135-G-A. GRCh37 (hg19) VCF-style: chr19-731135-G-A.
Other names: c.310G>A, p.Ala104Thr (NM_001040134.2); c.310G>A (NM_002579.2); short protein forms A104T.
Identifiers: ClinVar variation 1392510 (VCV001392510.7), dbSNP rs144513487, ClinGen allele CA9022521.